The following is an entry in ClinVar:

ClinVar aggregate classification (germline): Uncertain significance (1 of 4 stars; one submission).

Submission:

GeneDx
Classification: Uncertain significance. Last evaluated: 2022-04-26. Review status: criteria provided, single submitter. Criteria: GeneDx Variant Classification Process June 2021. Collection method: clinical testing. Allele origin: germline. Affected: yes.
Comment: Not observed at significant frequency in large population cohorts (gnomAD); Frameshift variant predicted to result in protein modification as the last 3 amino acids are replaced with 32 different amino acids, although loss-of-function variants have not been reported downstream of this position in the protein; Has not been previously published as pathogenic or benign to our knowledge

NM_006186.4(NR4A2):c.1786_1787del (p.Leu596fs)

Gene: NR4A2 (nuclear receptor subfamily 4 group A member 2; minus strand). Cytogenetic location: 2q24.1.
Variant type: Deletion.
Coding change: c.1786_1787del on transcript NM_006186.4 (MANE Select); coding-DNA positions 1786 to 1787, 2 bases deleted (TT; older notation c.1786_1787delTT).
Protein change: p.Leu596fs; shifts the reading frame from leucine 596.
Molecular consequence: frameshift variant.
Genome position (GRCh38, 1-based): chr2:156,325,754-156,325,755, AA deleted on the plus strand (TT on the coding strand, the reverse complement: NR4A2 is on the minus strand); deleting any 2 consecutive bases within chr2:156,325,754-156,325,756 gives the same sequence; the c. name uses the placement nearest the transcript's 3' end. VCF-style (leftmost placement, unchanged base first): chr2-156325753-TAA-T. GRCh37 (hg19) VCF-style: chr2-157182265-TAA-T.
Other names: c.1597_1598del, p.Leu533fs (NM_173173.3); short protein forms L533fs, L596fs.
Identifiers: ClinVar variation 1712771 (VCV001712771.2), dbSNP rs2468269366, ClinGen allele CA2577126817.